The following is an entry in ClinVar:

ClinVar aggregate classification (germline): Uncertain significance (1 of 4 stars; one submission).

Submission:

Labcorp Genetics (formerly Invitae), Labcorp
Classification: Uncertain significance. Last evaluated: 2023-07-07. Review status: criteria provided, single submitter. Criteria: Invitae Variant Classification Sherloc (09022015). Collection method: clinical testing. Allele origin: germline.
Comment: ClinVar contains an entry for this variant (Variation ID: 2080703). Advanced modeling of protein sequence and biophysical properties (such as structural, functional, and spatial information, amino acid conservation, physicochemical variation, residue mobility, and thermodynamic stability) performed at Invitae indicates that this missense variant is expected to disrupt MUT protein function. This variant disrupts the p.His386 amino acid residue in MUT. Other variant(s) that disrupt this residue have been observed in individuals with MUT-related conditions (PMID: 16281286, 32754920), which suggests that this may be a clinically significant amino acid residue. In summary, the available evidence is currently insufficient to determine the role of this variant in disease. Therefore, it has been classified as a Variant of Uncertain Significance. This sequence change replaces histidine, which is basic and polar, with proline, which is neutral and non-polar, at codon 386 of the MUT protein (p.His386Pro). This variant is not present in population databases (gnomAD no frequency). This variant has not been reported in the literature in individuals affected with MUT-related conditions.

Literature cited by the submitters: PubMed 16281286; PubMed 32754920.

NM_000255.4(MMUT):c.1157A>C (p.His386Pro)

Gene: MMUT (methylmalonyl-CoA mutase; minus strand). Cytogenetic location: 6p12.3.
Variant type: single nucleotide variant.
Coding change: c.1157A>C on transcript NM_000255.4 (MANE Select); coding-DNA position 1157, A replaced by C.
Protein change: p.His386Pro; replaces histidine 386 with proline.
Molecular consequence: missense variant.
Genome position (GRCh38, 1-based): chr6:49,451,641, T>G on the plus strand (A>C on the coding strand, the complement: MMUT is on the minus strand). VCF-style: chr6-49451641-T-G. GRCh37 (hg19) VCF-style: chr6-49419354-T-G.
Other names: short protein forms H386P.
Identifiers: ClinVar variation 2080703 (VCV002080703.4), dbSNP rs866933356, ClinGen allele CA364398999.